The following is an entry in ClinVar:

NM_001291303.3(FAT4):c.7670del (p.Thr2557fs)

Gene: FAT4 (FAT atypical cadherin 4; plus strand). Cytogenetic location: 4q28.1.
Variant type: Deletion.
Coding change: c.7670del on transcript NM_001291303.3 (MANE Select); coding-DNA position 7670, one base deleted (C; older notation c.7670delC).
Protein change: p.Thr2557fs; shifts the reading frame from threonine 2557.
Molecular consequence: frameshift variant.
Genome position (GRCh38, 1-based): chr4:125,448,680, C deleted. VCF-style (leftmost placement, unchanged base first): chr4-125448679-AC-A. GRCh37 (hg19) VCF-style: chr4-126369834-AC-A.
Other names: c.7670del, p.Thr2557fs (NM_001291285.3); c.7664del, p.Thr2555fs (NM_024582.6); short protein forms T2557fs, T2555fs.
Identifiers: ClinVar variation 2809746 (VCV002809746.4), dbSNP rs1264505521, ClinGen allele CA555019346.

ClinVar aggregate classification (germline): Pathogenic/Likely pathogenic. Review status: criteria provided, multiple submitters, no conflicts (2 of 4 stars). 2 submissions from 2 submitters: Pathogenic (1); Likely pathogenic (1). Last evaluated 2026-01-02.

Conditions:
FAT4-related disorder. Also called: FAT4-related condition.

Allele frequency attached by ClinVar (database versions not stated): gnomAD exomes below 0.00001; gnomAD 0.00001; TOPMed 0.00002.

Submissions (2):

Labcorp Genetics (formerly Invitae), Labcorp
Classification: Pathogenic. Last evaluated: 2026-01-02. Review status: criteria provided, single submitter. Criteria: Invitae Variant Classification Sherloc (09022015). Collection method: clinical testing. Allele origin: germline.
Comment: This sequence change creates a premature translational stop signal (p.Thr2555Metfs*5) in the FAT4 gene. It is expected to result in an absent or disrupted protein product. Loss-of-function variants in FAT4 are known to be pathogenic (PMID: 24056717, 24913602). This variant is present in population databases (no rsID available, gnomAD 0.002%). This variant has not been reported in the literature in individuals affected with FAT4-related conditions. ClinVar contains an entry for this variant (Variation ID: 2809746). For these reasons, this variant has been classified as Pathogenic.

Blueprint Genetics
Classification: Likely pathogenic for FAT4-related disorders. Last evaluated: 2024-03-11. Review status: criteria provided, single submitter. Criteria: ACMG Guidelines, 2015. Collection method: clinical testing. Allele origin: germline. Affected: yes. Observed: 1 variant allele.

Literature cited by the submitters: PubMed 24056717 (cited by Labcorp Genetics (formerly Invitae), Labcorp); PubMed 24913602 (cited by Labcorp Genetics (formerly Invitae), Labcorp).